The following is an entry in ClinVar:

ClinVar aggregate classification (germline): Conflicting classifications of pathogenicity. Review status: criteria provided, conflicting classifications (1 of 4 stars). 2 submissions from 2 submitters: Likely pathogenic (1); Uncertain significance (1). Last evaluated 2023-05-03.

Conditions:
ABCC8-related disorder.

Allele frequency attached by ClinVar (database versions not stated): gnomAD exomes below 0.00001.
gnomAD v4.1: 2 of 1,611,556 alleles (0.00012%); highest among the groups gnomAD compares: Non-Finnish European, 0.00017%; no homozygotes.

Submissions (2):

Women's Health and Genetics/Laboratory Corporation of America, LabCorp
Classification: Uncertain significance. Last evaluated: 2023-05-03. Review status: criteria provided, single submitter. Criteria: LabCorp Variant Classification Summary - May 2015. Collection method: clinical testing. Allele origin: germline.
Comment: Variant summary: ABCC8 c.86A>G (p.Asp29Gly) results in a non-conservative amino acid change in the encoded protein sequence. Five of five in-silico tools predict a damaging effect of the variant on protein function. The variant was absent in 243494 control chromosomes (gnomAD). The available data on variant occurrences in the general population are insufficient to allow any conclusion about variant significance. c.86A>G has been reported in the literature in heterozygous and compound heterozygous individuals affected with Congenital Hyperinsulinism (example: Snider_2013, Gong_2016, andHopkins_2023). At least one publication reports experimental evidence evaluating an impact on protein function, and showed this variant causes protein trafficking defect (example: Martin_2017). The following publications have been ascertained in the context of this evaluation (PMID: 25639667, 36239000, 27573238, 23275527, 28270372). No clinical diagnostic laboratories have submitted clinical-significance assessments for this variant to ClinVar after 2014. Based on the evidence outlined above, the variant was classified as VUS-possibly pathogenic.

Blueprint Genetics
Classification: Likely pathogenic for ABCC8-related disorders. Last evaluated: 2020-08-03. Review status: criteria provided, single submitter. Criteria: ACMG Guidelines, 2015. Collection method: clinical testing. Allele origin: germline. Affected: yes. Observed: 1 variant allele.

Literature cited by the submitters: PubMed 23275527 (cited by Women's Health and Genetics/Laboratory Corporation of America, LabCorp); PubMed 27573238 (cited by Women's Health and Genetics/Laboratory Corporation of America, LabCorp); PubMed 28270372 (cited by Women's Health and Genetics/Laboratory Corporation of America, LabCorp); PubMed 25639667 (cited by Women's Health and Genetics/Laboratory Corporation of America, LabCorp); PubMed 36239000 (cited by Women's Health and Genetics/Laboratory Corporation of America, LabCorp).

NM_000352.6(ABCC8):c.86A>G (p.Asp29Gly)

Gene: ABCC8 (ATP binding cassette subfamily C member 8; minus strand). Cytogenetic location: 11p15.1.
Variant type: single nucleotide variant.
Coding change: c.86A>G on transcript NM_000352.6 (MANE Select); coding-DNA position 86, A replaced by G.
Protein change: p.Asp29Gly; replaces aspartic acid 29 with glycine.
Molecular consequence: missense variant. On other transcripts: non-coding transcript variant (1).
Genome position (GRCh38, 1-based): chr11:17,476,691, T>C on the plus strand (A>G on the coding strand, the complement: ABCC8 is on the minus strand). VCF-style: chr11-17476691-T-C. GRCh37 (hg19) VCF-style: chr11-17498238-T-C.
Other names: c.86A>G, p.Asp29Gly (NM_001287174.3, NM_001351295.2, NM_001351296.2 and 1 more transcripts); short protein forms D29G.
Identifiers: ClinVar variation 2506188 (VCV002506188.2), dbSNP rs1591934736, ClinGen allele CA379790032.